The following is an entry in ClinVar:

NM_000179.3(MSH6):c.27C>G (p.Ser9Arg)

Gene: MSH6 (mutS homolog 6; plus strand). Cytogenetic location: 2p16.3.
Variant type: single nucleotide variant.
Coding change: c.27C>G on transcript NM_000179.3 (MANE Select); coding-DNA position 27, C replaced by G.
Protein change: p.Ser9Arg; replaces serine 9 with arginine.
Molecular consequence: missense variant. On other transcripts: 5 prime UTR variant (1).
Genome position (GRCh38, 1-based): chr2:47,783,260, C>G. VCF-style: chr2-47783260-C-G. GRCh37 (hg19) VCF-style: chr2-48010399-C-G.
Other names: c.27C>G, p.Ser9Arg (NM_001281492.2, NM_001406795.1, NM_001406796.1 and 9 more transcripts); c.-710C>G (NM_001281493.2, NM_001406811.1); c.-302C>G (NM_001406799.1); c.-29C>G (NM_001406804.1); c.-902C>G (NM_001406807.1); c.-557C>G (NM_001406812.1); c.-968C>G (NM_001406814.1); c.-513C>G (NM_001406816.1); short protein forms S9R.
Identifiers: ClinVar variation 1796171 (VCV001796171.5), dbSNP rs1572697773, ClinGen allele CA346734510.
Genomic context (GRCh38, chr2:47,783,260, plus strand): 5'-CCGACAGAACGGTTGGGCCTTGCCGGCTGTCGGTATGTCGCGACAGAGCACCCTGTACAG[C>G]TTCTTCCCCAAGTCTCCGGCGCTGAGTGATGCCAACAAGGCCTCGGCCAGGGCCTCACGC-3'
Protein context (NP_000170.1, residues 1-19): MSRQSTLY[Ser9Arg]FFPKSPALSD

ClinVar aggregate classification (germline): Uncertain significance. Review status: criteria provided, multiple submitters, no conflicts (2 of 4 stars). 3 submissions from 3 submitters: Uncertain significance (3). Last evaluated 2025-11-24.

Conditions:
Hereditary cancer-predisposing syndrome. Also called: Tumor predisposition; Hereditary Cancer Syndrome; Neoplastic Syndromes, Hereditary; Hereditary neoplastic syndrome. Identifiers: Orphanet 140162, MedGen C0027672, MeSH D009386, MONDO:0015356.
Hereditary nonpolyposis colorectal neoplasms. Identifiers: MedGen C0009405, MeSH D003123.

Allele frequency attached by ClinVar (database versions not stated): TOPMed below 0.00001.
gnomAD v4.1: 1 of 1,612,192 alleles (0.000062%); highest among the groups gnomAD compares: Middle Eastern, 0.017%; no homozygotes.

Submissions (3):

Labcorp Genetics (formerly Invitae), Labcorp
Classification: Uncertain significance for Hereditary nonpolyposis colorectal neoplasms. Last evaluated: 2025-11-24. Review status: criteria provided, single submitter. Criteria: Invitae Variant Classification Sherloc (09022015). Collection method: clinical testing. Allele origin: germline.
Comment: This sequence change replaces serine, which is neutral and polar, with arginine, which is basic and polar, at codon 9 of the MSH6 protein (p.Ser9Arg). This variant is not present in population databases (gnomAD no frequency). This variant has not been reported in the literature in individuals affected with MSH6-related conditions. ClinVar contains an entry for this variant (Variation ID: 1796171). Invitae Evidence Modeling of protein sequence and biophysical properties (such as structural, functional, and spatial information, amino acid conservation, physicochemical variation, residue mobility, and thermodynamic stability) indicates that this missense variant is not expected to disrupt MSH6 protein function with a negative predictive value of 95%. In summary, the available evidence is currently insufficient to determine the role of this variant in disease. Therefore, it has been classified as a Variant of Uncertain Significance.

Revvity Omics, Revvity
Classification: Uncertain significance. Last evaluated: 2024-08-13. Review status: criteria provided, single submitter. Criteria: ACMG Guidelines, 2015. Collection method: clinical testing. Allele origin: germline.

Ambry Genetics
Classification: Uncertain significance for Hereditary cancer-predisposing syndrome. Last evaluated: 2022-04-21. Review status: criteria provided, single submitter. Criteria: Ambry Variant Classification Scheme 2023. Collection method: clinical testing. Allele origin: germline.
Comment: The p.S9R variant (also known as c.27C>G), located in coding exon 1 of the MSH6 gene, results from a C to G substitution at nucleotide position 27. The serine at codon 9 is replaced by arginine, an amino acid with dissimilar properties. This amino acid position is well conserved in available vertebrate species. In addition, the in silico prediction for this alteration is inconclusive.